The following is an entry in ClinVar:

NM_025114.4(CEP290):c.6202T>G (p.Leu2068Val)

Gene: CEP290 (centrosomal protein 290; minus strand). Cytogenetic location: 12q21.32.
Variant type: single nucleotide variant.
Coding change: c.6202T>G on transcript NM_025114.4 (MANE Select); coding-DNA position 6202, T replaced by G.
Protein change: p.Leu2068Val; replaces leucine 2068 with valine.
Molecular consequence: missense variant.
Genome position (GRCh38, 1-based): chr12:88,064,049, A>C on the plus strand (T>G on the coding strand, the complement: CEP290 is on the minus strand). VCF-style: chr12-88064049-A-C. GRCh37 (hg19) VCF-style: chr12-88457826-A-C.
Other names: short protein forms L2068V.
Identifiers: ClinVar variation 3346821 (VCV003346821.1).
Genomic context (GRCh38, chr12:88,064,049, plus strand): 5'-TTGGCAAATCTTTATTTGCTTGTTCAAGCTGAAATTTCAGTTCAATATTTTCAGATGACA[A>C]CTTCAAGTTTTCCTTCTGAAGCTCCTGTTCTCTCTGACAATGATCATCTGACTCTATTCC-3'
Protein context (NP_079390.3, residues 2058-2078): EQELQKENLK[Leu2068Val]SSENIELKFQ

ClinVar aggregate classification (germline): Uncertain significance (0 of 4 stars; one submission).

Conditions:
CEP290-related disorder. Also called: CEP290-related condition; CEP290-related disorders. Identifiers: MedGen CN239314.

Submission:

PreventionGenetics, part of Exact Sciences
Classification: Uncertain significance for CEP290-related condition. Last evaluated: 2024-09-12. Review status: no assertion criteria provided. Collection method: clinical testing. Allele origin: germline.
Comment: The CEP290 c.6202T>G variant is predicted to result in the amino acid substitution p.Leu2068Val. To our knowledge, this variant has not been reported in the literature or in a large population database, indicating this variant is rare. At this time, the clinical significance of this variant is uncertain due to the absence of conclusive functional and genetic evidence.